The following is an entry in ClinVar:

NM_003119.4(SPG7):c.2182-795C>G

Gene: SPG7 (SPG7 matrix AAA peptidase subunit, paraplegin; plus strand). Cytogenetic location: 16q24.3.
Variant type: single nucleotide variant.
Coding change: c.2182-795C>G on transcript NM_003119.4 (MANE Select); 795 bases into the intron before coding-DNA position 2182, C replaced by G.
Molecular consequence: intron variant.
Genome position (GRCh38, 1-based): chr16:89,556,092, C>G. VCF-style: chr16-89556092-C-G. GRCh37 (hg19) VCF-style: chr16-89622500-C-G.
Other names: c.2389+7C>G (NM_001363850.1).
Identifiers: ClinVar variation 1012419 (VCV001012419.39), dbSNP rs548952339, ClinGen allele CA286509330.

ClinVar aggregate classification (germline): Likely benign. Review status: criteria provided, multiple submitters, no conflicts (2 of 4 stars). 2 submissions from 2 submitters: Likely benign (2). Last evaluated 2026-09-01.

Allele frequency attached by ClinVar (database versions not stated): 1000 Genomes Project 30x 0.00109; 1000 Genomes Project 0.00120; TOPMed 0.00130; gnomAD 0.00140 and 0.00144.
gnomAD v4.1: 581 of 398,848 alleles (0.15%); highest among the groups gnomAD compares: Admixed American, 0.23%; 1 homozygote.

Submissions (2):

CeGaT Center for Human Genetics Tuebingen
Classification: Likely benign. Last evaluated: 2026-09-01. Review status: criteria provided, single submitter. Criteria: CeGaT Center For Human Genetics Tuebingen Variant Classification Criteria Version 2. Collection method: clinical testing. Allele origin: germline. Affected: yes. Observed: 7 variant alleles.
Comment: SPG7: BP4

Laboratory of Genetics, Children's Clinical University Hospital Latvia
Classification: Likely benign. Last evaluated: 2025-02-16. Review status: criteria provided, single submitter. Criteria: ACMG Guidelines, 2015. Collection method: clinical testing. Allele origin: germline. Affected: yes.